The following is an entry in ClinVar:

ClinVar aggregate classification (germline): Likely pathogenic (1 of 4 stars; one submission).

Conditions:
Neurodevelopmental disorder with dysmorphic facies, sleep disturbance, and brain abnormalities. Identifiers: MedGen C5436821, MONDO:0030852, OMIM 619103.

Submission:

Molecular Genetics Laboratory, Motol Hospital
Classification: Likely pathogenic for Neurodevelopmental disorder with dysmorphic facies, sleep disturbance, and brain abnormalities. Last evaluated: 2025-05-02. Review status: criteria provided, single submitter. Criteria: ACMG Guidelines, 2015. Collection method: clinical testing. Allele origin: de novo. Affected: yes. Observed: 1 variant allele.
Comment: Not present in gnomAD (v4.1.0), dbSNP or ClinVar (PM2). Rare variants affecting the KAT5 gene are documented as a molecular cause of autosomal dominant "neurodevelopmental disorder with dysmorphic facies, sleep disturband and brain abnormalities" (NEDFASB, MIM:619103; PMID:32822602;PMID:28035283). Different amino acid change is a known pathogenic variant (NM_182710.3:c.257G>A) (PP2, PM5). To conclude, the variant is classified as likely pathogenic (ACMG PS2, PM2, PP2, PM5).

Literature cited by the submitters: PubMed 32822602; PubMed 28035283.

NM_182710.3(KAT5):c.256C>T (p.Arg86Cys)

Gene: KAT5 (lysine acetyltransferase 5; plus strand). Cytogenetic location: 11q13.1.
Variant type: single nucleotide variant.
Coding change: c.256C>T on transcript NM_182710.3 (MANE Select); coding-DNA position 256, C replaced by T.
Protein change: p.Arg86Cys; replaces arginine 86 with cysteine.
Molecular consequence: missense variant.
Genome position (GRCh38, 1-based): chr11:65,712,930, C>T. VCF-style: chr11-65712930-C-T. GRCh37 (hg19) VCF-style: chr11-65480401-C-T.
Other names: c.256C>T, p.Arg86Cys (NM_001206833.2); c.157C>T, p.Arg53Cys (NM_006388.4, NM_182709.3); short protein forms R53C, R86C.
Identifiers: ClinVar variation 3895531 (VCV003895531.1).